The following is an entry in ClinVar:

NM_003239.5(TGFB3):c.496_497del (p.Gln166fs)

Gene: TGFB3 (transforming growth factor beta 3; minus strand). Cytogenetic location: 14q24.3.
Variant type: Deletion.
Coding change: c.496_497del on transcript NM_003239.5 (MANE Select); coding-DNA positions 496 to 497, 2 bases deleted (CA; older notation c.496_497delCA).
Protein change: p.Gln166fs; shifts the reading frame from glutamine 166.
Molecular consequence: frameshift variant.
Genome position (GRCh38, 1-based): chr14:75,971,574-75,971,575, TG deleted on the plus strand (CA on the coding strand, the reverse complement: TGFB3 is on the minus strand). VCF-style (leftmost placement, unchanged base first): chr14-75971573-CTG-C. GRCh37 (hg19) VCF-style: chr14-76437916-CTG-C.
Other names: c.496_497del, p.Gln166fs (NM_001329938.2, NM_001329939.2); short protein forms Q166fs.
Identifiers: ClinVar variation 2862180 (VCV002862180.3), dbSNP rs2504111668, ClinGen allele CA2739278476.
Genomic context (GRCh38, chr14:75,971,573, plus strand): 5'-GCTTTCCCGTCGGTGTGGTTTCTGCTCTGAGAGAGGAGTTACCTGGAAGAGCTCGATCCT[CTG>C]CTCATTCCGCTTAGAGCTGGGGTTGGGCACCCGCAAGACCCGGAATTCTGCTCGGAATAG-3'

ClinVar aggregate classification (germline): Pathogenic (1 of 4 stars; one submission).

Conditions:
Rienhoff syndrome. Also called: LOEYS-DIETZ SYNDROME 5. Identifiers: MedGen C3810012, MONDO:0014262, OMIM 615582.

Submission:

Labcorp Genetics (formerly Invitae), Labcorp
Classification: Pathogenic for Rienhoff syndrome. Last evaluated: 2024-08-19. Review status: criteria provided, single submitter. Criteria: Invitae Variant Classification Sherloc (09022015). Collection method: clinical testing. Allele origin: germline.
Comment: This sequence change creates a premature translational stop signal (p.Gln166Glufs*12) in the TGFB3 gene. It is expected to result in an absent or disrupted protein product. Loss-of-function variants in TGFB3 are known to be pathogenic (PMID: 25835445, 26188975). This variant is not present in population databases (gnomAD no frequency). This variant has not been reported in the literature in individuals affected with TGFB3-related conditions. For these reasons, this variant has been classified as Pathogenic.

Literature cited by the submitters: PubMed 25835445; PubMed 26188975.